The following is an entry in ClinVar:

ClinVar aggregate classification (germline): Uncertain significance. Review status: criteria provided, multiple submitters, no conflicts (2 of 4 stars). 2 submissions from 2 submitters: Uncertain significance (2). Last evaluated 2025-06-24.

Conditions:
Hereditary cancer-predisposing syndrome. Also called: Hereditary Cancer Syndrome; Hereditary neoplastic syndrome; Neoplastic Syndromes, Hereditary; Tumor predisposition. Identifiers: Orphanet 140162, MedGen C0027672, MeSH D009386, MONDO:0015356.

Allele frequency attached by ClinVar (database versions not stated): TOPMed below 0.00001.
gnomAD v4.1: 2 of 1,613,946 alleles (0.00012%); highest among the groups gnomAD compares: Non-Finnish European, 0.00017%; no homozygotes.

Submissions (2):

Labcorp Genetics (formerly Invitae), Labcorp
Classification: Uncertain significance. Last evaluated: 2025-06-24. Review status: criteria provided, single submitter. Criteria: Invitae Variant Classification Sherloc (09022015). Collection method: clinical testing. Allele origin: germline.
Comment: This sequence change replaces glutamine, which is neutral and polar, with glutamic acid, which is acidic and polar, at codon 153 of the CTNNA1 protein (p.Gln153Glu). This variant is present in population databases (no rsID available, gnomAD 0.0009%). This variant has not been reported in the literature in individuals affected with CTNNA1-related conditions. ClinVar contains an entry for this variant (Variation ID: 1741618). Invitae Evidence Modeling of protein sequence and biophysical properties (such as structural, functional, and spatial information, amino acid conservation, physicochemical variation, residue mobility, and thermodynamic stability) indicates that this missense variant is not expected to disrupt CTNNA1 protein function with a negative predictive value of 80%. In summary, the available evidence is currently insufficient to determine the role of this variant in disease. Therefore, it has been classified as a Variant of Uncertain Significance.

Ambry Genetics
Classification: Uncertain significance for Hereditary cancer-predisposing syndrome. Last evaluated: 2024-07-16. Review status: criteria provided, single submitter. Criteria: Ambry Variant Classification Scheme 2023. Collection method: clinical testing. Allele origin: germline.
Comment: The p.Q153E variant (also known as c.457C>G), located in coding exon 3 of the CTNNA1 gene, results from a C to G substitution at nucleotide position 457. The glutamine at codon 153 is replaced by glutamic acid, an amino acid with highly similar properties. This amino acid position is well conserved in available vertebrate species. In addition, this alteration is predicted to be tolerated by in silico analysis. The evidence for this gene-disease relationship is limited; therefore, the clinical significance of this alteration is unclear.

NM_001903.5(CTNNA1):c.457C>G (p.Gln153Glu)

Gene: CTNNA1 (catenin alpha 1; plus strand). Cytogenetic location: 5q31.2.
Variant type: single nucleotide variant.
Coding change: c.457C>G on transcript NM_001903.5 (MANE Select); coding-DNA position 457, C replaced by G.
Protein change: p.Gln153Glu; replaces glutamine 153 with glutamic acid.
Molecular consequence: missense variant.
Genome position (GRCh38, 1-based): chr5:138,810,193, C>G. VCF-style: chr5-138810193-C-G. GRCh37 (hg19) VCF-style: chr5-138145882-C-G.
Other names: c.457C>G, p.Gln153Glu (NM_001290307.3, NM_001323982.2, NM_001323983.1 and 3 more transcripts); c.148C>G, p.Gln50Glu (NM_001290309.3); c.88C>G, p.Gln30Glu (NM_001290310.3); short protein forms Q153E, Q30E, Q50E.
Identifiers: ClinVar variation 1741618 (VCV001741618.6), dbSNP rs1219993763, ClinGen allele CA361123725.